The following is an entry in ClinVar:

ClinVar aggregate classification (germline): Likely benign. Review status: criteria provided, multiple submitters, no conflicts (2 of 4 stars). 2 submissions from 2 submitters: Likely benign (2). Last evaluated 2024-05-07.

Allele frequency attached by ClinVar (database versions not stated): TOPMed 0.00002; ExAC 0.00003; 1000 Genomes Project 30x 0.00016; 1000 Genomes Project 0.00020.
gnomAD v4.1: 29 of 1,593,934 alleles (0.0018%); highest among the groups gnomAD compares: African/African-American, 0.004%; no homozygotes.

Submissions (2):

Labcorp Genetics (formerly Invitae), Labcorp
Classification: Likely benign. Last evaluated: 2024-05-07. Review status: criteria provided, single submitter. Criteria: Invitae Variant Classification Sherloc (09022015). Collection method: clinical testing. Allele origin: germline.

GeneDx
Classification: Likely benign. Last evaluated: 2016-04-02. Review status: criteria provided, single submitter. Criteria: GeneDx Variant Classification (06012015). Collection method: clinical testing. Allele origin: germline. Affected: yes.
Comment: This variant is considered likely benign or benign based on one or more of the following criteria: it is a conservative change, it occurs at a poorly conserved position in the protein, it is predicted to be benign by multiple in silico algorithms, and/or has population frequency not consistent with disease.

NM_001759.4(CCND2):c.571+20G>A

Gene: CCND2 (cyclin D2; plus strand). Cytogenetic location: 12p13.32.
Variant type: single nucleotide variant.
Coding change: c.571+20G>A on transcript NM_001759.4 (MANE Select); 20 bases into the intron after coding-DNA position 571, G replaced by A.
Molecular consequence: intron variant.
Genome position (GRCh38, 1-based): chr12:4,278,939, G>A. VCF-style: chr12-4278939-G-A. GRCh37 (hg19) VCF-style: chr12-4388105-G-A.
Identifiers: ClinVar variation 385080 (VCV000385080.4), dbSNP rs371529512, ClinGen allele CA6395265.